The following is an entry in ClinVar:

ClinVar aggregate classification (germline): Uncertain significance. Review status: criteria provided, single submitter (1 of 4 stars). 2 submissions from 2 submitters: Uncertain significance (1). 1 of the submissions does not count toward it. Last evaluated 2021-08-25.

Conditions:
Usher syndrome type 1B (USH1B). Also called: Usher syndrome type IB. Identifiers: MedGen C1848638, MONDO:0700087.

Allele frequency attached by ClinVar (database versions not stated): TOPMed below 0.00001.

Submissions (2):

Labcorp Genetics (formerly Invitae), Labcorp
Classification: Uncertain significance. Last evaluated: 2021-08-25. Review status: criteria provided, single submitter. Criteria: Invitae Variant Classification Sherloc (09022015). Collection method: clinical testing. Allele origin: germline.
Comment: This sequence change replaces glutamine with glutamic acid at codon 1820 of the MYO7A protein (p.Gln1820Glu). The glutamine residue is highly conserved and there is a small physicochemical difference between glutamine and glutamic acid. This variant is not present in population databases (ExAC no frequency). This variant has not been reported in the literature in individuals affected with MYO7A-related conditions. Algorithms developed to predict the effect of missense changes on protein structure and function are either unavailable or do not agree on the potential impact of this missense change (SIFT: "Deleterious"; PolyPhen-2: "Probably Damaging"; Align-GVGD: "Class C0"). In summary, the available evidence is currently insufficient to determine the role of this variant in disease. Therefore, it has been classified as a Variant of Uncertain Significance.

Natera, Inc.
Classification: Uncertain significance for Usher syndrome type 1B. Last evaluated: 2021-07-07. Review status: no assertion criteria provided. Collection method: clinical testing. Allele origin: germline. Not counted in ClinVar's aggregate classification.

NM_000260.4(MYO7A):c.5458C>G (p.Gln1820Glu)

Gene: MYO7A (myosin VIIA; plus strand). Cytogenetic location: 11q13.5.
Variant type: single nucleotide variant.
Coding change: c.5458C>G on transcript NM_000260.4 (MANE Select); coding-DNA position 5458, C replaced by G.
Protein change: p.Gln1820Glu; replaces glutamine 1820 with glutamic acid.
Molecular consequence: missense variant.
Genome position (GRCh38, 1-based): chr11:77,204,207, C>G. VCF-style: chr11-77204207-C-G. GRCh37 (hg19) VCF-style: chr11-76915252-C-G.
Other names: c.5344C>G, p.Gln1782Glu (NM_001127180.2); c.5311C>G, p.Gln1771Glu (NM_001369365.1); short protein forms Q1820E, Q1771E, Q1782E.
Identifiers: ClinVar variation 854794 (VCV000854794.8), dbSNP rs369973293, ClinGen allele CA381952773.